The following is an entry in ClinVar:

ClinVar aggregate classification (germline): Conflicting classifications of pathogenicity. Review status: criteria provided, conflicting classifications (1 of 4 stars). 2 submissions from 2 submitters: Likely pathogenic (1); Uncertain significance (1). Last evaluated 2025-04-03.

Conditions:
Ataxia-telangiectasia syndrome (AT). Also called: LOUIS-BAR SYNDROME; Cerebello-oculocutaneous telangiectasia; Immunodeficiency with ataxia telangiectasia; Ataxia-telangiectasia, complementation group E; Ataxia-telangiectasia, complementation group D; AT, COMPLEMENTATION GROUP C. Identifiers: Orphanet 100, MedGen C0004135, MONDO:0008840, OMIM 208900.
Hereditary cancer-predisposing syndrome. Also called: Hereditary Cancer Syndrome; Hereditary neoplastic syndrome; Neoplastic Syndromes, Hereditary; Tumor predisposition. Identifiers: Orphanet 140162, MedGen C0027672, MeSH D009386, MONDO:0015356.

Submissions (2):

Ambry Genetics
Classification: Likely pathogenic for Hereditary cancer-predisposing syndrome. Last evaluated: 2025-04-03. Review status: criteria provided, single submitter. Criteria: Ambry Variant Classification Scheme 2023. Collection method: clinical testing. Allele origin: germline.
Comment: The c.7630-12_7630-11delCT intronic variant, located in intron 50 of the ATM gene, results from a deletion of two nucleotides within intron 50 of the ATM gene. This nucleotide position is not well conserved in available vertebrate species. In silico splice site analysis predicts that this alteration will weaken the native splice acceptor site. RNA studies have demonstrated that this alteration results in abnormal splicing in the set of samples tested (Ambry internal data). Based on the majority of available evidence to date, this variant is likely to be pathogenic.

Labcorp Genetics (formerly Invitae), Labcorp
Classification: Uncertain significance for Ataxia-telangiectasia syndrome. Last evaluated: 2023-05-31. Review status: criteria provided, single submitter. Criteria: Invitae Variant Classification Sherloc (09022015). Collection method: clinical testing. Allele origin: germline.
Comment: In summary, the available evidence is currently insufficient to determine the role of this variant in disease. Therefore, it has been classified as a Variant of Uncertain Significance. Algorithms developed to predict the effect of sequence changes on RNA splicing suggest that this variant may disrupt the consensus splice site. This variant has not been reported in the literature in individuals affected with ATM-related conditions. This variant is not present in population databases (gnomAD no frequency). This sequence change falls in intron 51 of the ATM gene. It does not directly change the encoded amino acid sequence of the ATM protein.

NM_000051.4(ATM):c.7630-12_7630-11del

Genes: ATM (ATM serine/threonine kinase; plus strand), C11orf65 (chromosome 11 open reading frame 65; minus strand). Cytogenetic location: 11q22.3.
Variant type: Deletion.
Coding change: c.7630-12_7630-11del on transcript NM_000051.4 (MANE Select); 12 bases into the intron before coding-DNA position 7630 through 11 bases into the intron before coding-DNA position 7630, 2 bases deleted (CT; older notation c.7630-12_7630-11delCT).
Molecular consequence: intron variant.
Genome position (GRCh38, 1-based): chr11:108,331,867-108,331,868, CT deleted; deleting any 2 consecutive bases within chr11:108,331,866-108,331,868 gives the same sequence; the c. name uses the placement nearest the transcript's 3' end. VCF-style (leftmost placement, unchanged base first): chr11-108331865-TTC-T. GRCh37 (hg19) VCF-style: chr11-108202592-TTC-T.
Other names: c.7630-12_7630-11del (NM_001351834.2); c.641-22796_641-22795del (NM_001330368.2); c.*38+3353_*38+3354del (NM_001351110.2).
Identifiers: ClinVar variation 2568164 (VCV002568164.6), dbSNP rs2547280859, ClinGen allele CA2580615049.